The following is an entry in ClinVar:

ClinVar aggregate classification (germline): Uncertain significance. Review status: criteria provided, multiple submitters, no conflicts (2 of 4 stars). 3 submissions from 3 submitters: Uncertain significance (3). Last evaluated 2024-11-09.

Conditions:
Multiple congenital anomalies-hypotonia-seizures syndrome 1 (MCAHS1). Also called: GLYCOSYLPHOSPHATIDYLINOSITOL BIOSYNTHESIS DEFECT 3; PIGN-CDG; Congenital disorder of glycosylation due to PIGN deficiency. Identifiers: Orphanet 280633, MedGen C3279775, MONDO:0013563, OMIM 614080.
Inborn genetic diseases. Identifiers: MedGen C0950123, MeSH D030342.

Allele frequency attached by ClinVar (database versions not stated): TOPMed 0.00006; ESP Exome Variant Server 0.00008; gnomAD exomes 0.00009 and 0.00011; gnomAD 0.00011; ExAC 0.00012.

Submissions (3):

Ambry Genetics
Classification: Uncertain significance for Inborn genetic diseases. Last evaluated: 2024-11-09. Review status: criteria provided, single submitter. Criteria: Ambry Variant Classification Scheme 2023. Collection method: clinical testing. Allele origin: germline.

GeneDx
Classification: Uncertain significance. Last evaluated: 2024-08-16. Review status: criteria provided, single submitter. Criteria: GeneDx Variant Classification Process June 2021. Collection method: clinical testing. Allele origin: germline. Affected: yes.
Comment: In silico analysis indicates that this missense variant does not alter protein structure/function; Has not been previously published as pathogenic or benign to our knowledge

Labcorp Genetics (formerly Invitae), Labcorp
Classification: Uncertain significance for Multiple congenital anomalies-hypotonia-seizures syndrome 1. Last evaluated: 2022-09-13. Review status: criteria provided, single submitter. Criteria: Invitae Variant Classification Sherloc (09022015). Collection method: clinical testing. Allele origin: germline.
Comment: This sequence change replaces valine, which is neutral and non-polar, with leucine, which is neutral and non-polar, at codon 47 of the PIGN protein (p.Val47Leu). This variant is present in population databases (rs375744259, gnomAD 0.02%). This variant has not been reported in the literature in individuals affected with PIGN-related conditions. ClinVar contains an entry for this variant (Variation ID: 569026). Advanced modeling of protein sequence and biophysical properties (such as structural, functional, and spatial information, amino acid conservation, physicochemical variation, residue mobility, and thermodynamic stability) has been performed at Invitae for this missense variant, however the output from this modeling did not meet the statistical confidence thresholds required to predict the impact of this variant on PIGN protein function. In summary, the available evidence is currently insufficient to determine the role of this variant in disease. Therefore, it has been classified as a Variant of Uncertain Significance.

NM_176787.5(PIGN):c.139G>C (p.Val47Leu)

Gene: PIGN (phosphatidylinositol glycan anchor biosynthesis class N; minus strand). Cytogenetic location: 18q21.33.
Variant type: single nucleotide variant.
Coding change: c.139G>C on transcript NM_176787.5 (MANE Select); coding-DNA position 139, G replaced by C.
Protein change: p.Val47Leu; replaces valine 47 with leucine.
Molecular consequence: missense variant.
Genome position (GRCh38, 1-based): chr18:62,161,215, C>G on the plus strand (G>C on the coding strand, the complement: PIGN is on the minus strand). VCF-style: chr18-62161215-C-G. GRCh37 (hg19) VCF-style: chr18-59828448-C-G.
Other names: c.139G>C, p.Val47Leu (NM_012327.6); short protein forms V47L.
Identifiers: ClinVar variation 569026 (VCV000569026.11), dbSNP rs375744259, ClinGen allele CA8982656.